The following is an entry in ClinVar:

NM_001927.4(DES):c.1030T>C (p.Ser344Pro)

Gene: DES (desmin; plus strand). Cytogenetic location: 2q35.
Variant type: single nucleotide variant.
Coding change: c.1030T>C on transcript NM_001927.4 (MANE Select); coding-DNA position 1030, T replaced by C.
Protein change: p.Ser344Pro; replaces serine 344 with proline.
Molecular consequence: missense variant.
Genome position (GRCh38, 1-based): chr2:219,421,346, T>C. VCF-style: chr2-219421346-T-C. GRCh37 (hg19) VCF-style: chr2-220286068-T-C.
Other names: c.1030T>C (NM_001927.3); short protein forms S344P.
Identifiers: ClinVar variation 289633 (VCV000289633.12), dbSNP rs886044226, ClinGen allele CA10606502.

ClinVar aggregate classification (germline): Uncertain significance. Review status: criteria provided, multiple submitters, no conflicts (2 of 4 stars). 3 submissions from 3 submitters: Uncertain significance (3). Last evaluated 2025-10-21.

Conditions:
Desmin-related myofibrillar myopathy (MFM1). Also called: Myofibrillar myopathy 1; MYOFIBRILLAR MYOPATHY WITH ARRHYTHMOGENIC RIGHT VENTRICULAR CARDIOMYOPATHY; DESMIN-RELATED MYOPATHY WITH ARRHYTHMOGENIC RIGHT VENTRICULAR CARDIOMYOPATHY; Desminopathy; Desmin related myopathy (former name); Desmin storage myopathy (former name). Identifiers: Orphanet 363543, Orphanet 98909, MedGen C1832370, MONDO:0011076, OMIM 601419.

Submissions (3):

Labcorp Genetics (formerly Invitae), Labcorp
Classification: Uncertain significance for Desmin-related myofibrillar myopathy. Last evaluated: 2025-10-21. Review status: criteria provided, single submitter. Criteria: Invitae Variant Classification Sherloc (09022015). Collection method: clinical testing. Allele origin: germline.
Comment: This sequence change replaces serine, which is neutral and polar, with proline, which is neutral and non-polar, at codon 344 of the DES protein (p.Ser344Pro). This variant is not present in population databases (gnomAD no frequency). This missense change has been observed in individual(s) with clinical features of DES-related conditions (PMID: 28403181). ClinVar contains an entry for this variant (Variation ID: 289633). Invitae Evidence Modeling of protein sequence and biophysical properties (such as structural, functional, and spatial information, amino acid conservation, physicochemical variation, residue mobility, and thermodynamic stability) indicates that this missense variant is expected to disrupt DES protein function with a positive predictive value of 95%. In summary, the available evidence is currently insufficient to determine the role of this variant in disease. Therefore, it has been classified as a Variant of Uncertain Significance.

Revvity Omics, Revvity
Classification: Uncertain significance. Last evaluated: 2020-01-10. Review status: criteria provided, single submitter. Criteria: ACMG Guidelines, 2015. Collection method: clinical testing. Allele origin: germline.

Eurofins Ntd Llc (ga)
Classification: Uncertain significance. Last evaluated: 2018-06-15. Review status: criteria provided, single submitter. Criteria: EGL ClinVar v180209 classification definitions. Collection method: clinical testing. Allele origin: germline. Observed: 7 variant alleles, 7 heterozygotes.

Literature cited by the submitters: PubMed 28403181 (cited by Labcorp Genetics (formerly Invitae), Labcorp).